The following is an entry in ClinVar:

NM_001257096.2(PAX1):c.1060-13T>A

Gene: PAX1 (paired box 1; plus strand). Cytogenetic location: 20p11.22.
Variant type: single nucleotide variant.
Coding change: c.1060-13T>A on transcript NM_001257096.2 (MANE Select); 13 bases into the intron before coding-DNA position 1060, T replaced by A.
Molecular consequence: intron variant.
Genome position (GRCh38, 1-based): chr20:21,709,209, T>A. VCF-style: chr20-21709209-T-A. GRCh37 (hg19) VCF-style: chr20-21689847-T-A.
Other names: c.1060-13T>A (NM_006192.5).
Identifiers: ClinVar variation 1634601 (VCV001634601.9), dbSNP rs370745016, ClinGen allele CA313027727.

ClinVar aggregate classification (germline): Conflicting classifications of pathogenicity. Review status: criteria provided, conflicting classifications (1 of 4 stars). 2 submissions from 2 submitters: Uncertain significance (1); Likely benign (1). Last evaluated 2026-02-11.

Allele frequency attached by ClinVar (database versions not stated): gnomAD 0.00001; gnomAD exomes 0.00001; TOPMed 0.00002; ESP Exome Variant Server 0.00015.
gnomAD v4.1: 20 of 1,597,222 alleles (0.0013%); highest among the groups gnomAD compares: Non-Finnish European, 0.0014%; no homozygotes.

Submissions (2):

Women's Health and Genetics/Laboratory Corporation of America, LabCorp
Classification: Uncertain significance. Last evaluated: 2026-02-11. Review status: criteria provided, single submitter. Criteria: LabCorp Variant Classification Summary - May 2015. Collection method: clinical testing. Allele origin: germline.
Comment: Variant summary: PAX1 c.1060-13T>A alters a non-conserved nucleotide located at a position not widely known to affect splicing. Several computational tools predict a significant impact on normal splicing: One predicts the variant has no significant impact on splicing and three predict the variant weakens a 3' acceptor site. However, these predictions have yet to be confirmed by functional studies. The variant allele was found at a frequency of 1.2e-05 in 240420 control chromosomes. The available data on variant occurrences in the general population are insufficient to allow any conclusion about variant significance. To our knowledge, no occurrence of c.1060-13T>A in individuals affected with PAX1-related conditions and no experimental evidence demonstrating its impact on protein function have been reported. ClinVar contains an entry for this variant (Variation ID: 1634601). Based on the evidence outlined above, the variant was classified as uncertain significance.

Labcorp Genetics (formerly Invitae), Labcorp
Classification: Likely benign. Last evaluated: 2025-11-18. Review status: criteria provided, single submitter. Criteria: Invitae Variant Classification Sherloc (09022015). Collection method: clinical testing. Allele origin: germline.